The following is an entry in ClinVar:

ClinVar aggregate classification (germline): Uncertain significance (1 of 4 stars; one submission).

Conditions:
Early-onset Parkinson disease 20. Also called: PARKINSON DISEASE 20, AUTOSOMAL RECESSIVE EARLY-ONSET. Identifiers: Orphanet 391411, MedGen C3809824, MONDO:0014233, OMIM 615530.
Developmental and epileptic encephalopathy, 53. Also called: Epileptic encephalopathy, early infantile, 53. Identifiers: MedGen C4479313, MONDO:0033362, OMIM 617389.

Allele frequency attached by ClinVar (database versions not stated): TOPMed below 0.00001.

Submission:

Labcorp Genetics (formerly Invitae), Labcorp
Classification: Uncertain significance for Developmental and epileptic encephalopathy, 53; Early-onset Parkinson disease 20. Last evaluated: 2021-10-30. Review status: criteria provided, single submitter. Criteria: Invitae Variant Classification Sherloc (09022015). Collection method: clinical testing. Allele origin: germline.
Comment: In summary, the available evidence is currently insufficient to determine the role of this variant in disease. Therefore, it has been classified as a Variant of Uncertain Significance. Algorithms developed to predict the effect of missense changes on protein structure and function are either unavailable or do not agree on the potential impact of this missense change (SIFT: "Deleterious"; PolyPhen-2: "Possibly Damaging"; Align-GVGD: "Class C0"). ClinVar contains an entry for this variant (Variation ID: 566546). This variant has not been reported in the literature in individuals affected with SYNJ1-related conditions. This variant is present in population databases (no rsID available, gnomAD 0.006%). This sequence change replaces serine, which is neutral and polar, with arginine, which is basic and polar, at codon 1058 of the SYNJ1 protein (p.Ser1058Arg).

NM_203446.3(SYNJ1):c.3057T>G (p.Ser1019Arg)

Gene: SYNJ1 (synaptojanin 1; minus strand). Cytogenetic location: 21q22.11.
Variant type: single nucleotide variant.
Coding change: c.3057T>G on transcript NM_203446.3 (MANE Select); coding-DNA position 3057, T replaced by G.
Protein change: p.Ser1019Arg; replaces serine 1019 with arginine.
Molecular consequence: missense variant.
Genome position (GRCh38, 1-based): chr21:32,646,583, A>C on the plus strand (T>G on the coding strand, the complement: SYNJ1 is on the minus strand). VCF-style: chr21-32646583-A-C. GRCh37 (hg19) VCF-style: chr21-34018893-A-C.
Other names: c.3057T>G, p.Ser1019Arg (NM_001160302.2); c.3042T>G, p.Ser1014Arg (NM_001160306.2); c.3174T>G, p.Ser1058Arg (NM_003895.4); short protein forms S1058R, S1014R, S1019R.
Identifiers: ClinVar variation 566546 (VCV000566546.5), dbSNP rs767760891, ClinGen allele CA319423021.
Genomic context (GRCh38, chr21:32,646,583, plus strand): 5'-ACCAAGGCCGGAACTTGAAGATGGCTGGAGATGCTGAGGAAGAAGTTCCTCCACTTCAGC[A>C]CTATAGTCATCAACATCACCTAAGGAAAAGCAGGCTTGATCAGAGATAACTCCATTTTAA-3'
Protein context (NP_982271.3, residues 1009-1029): FDMEGDVDDY[Ser1019Arg]AEVEELLPQH